The following is an entry in ClinVar:

ClinVar aggregate classification (germline): Pathogenic (1 of 4 stars; one submission).

Conditions:
Neurofibromatosis, type 1 (NF1). Also called: VON RECKLINGHAUSEN DISEASE; Peripheral type neurofibromatosis; NEUROFIBROMATOSIS, TYPE I, SOMATIC; Neurofibromatosis, type I. Identifiers: Orphanet 636, MedGen C0027831, MONDO:0018975, OMIM 162200. Disease mechanism: loss of function.

Submission:

Labcorp Genetics (formerly Invitae), Labcorp
Classification: Pathogenic for Neurofibromatosis, type 1. Last evaluated: 2025-03-04. Review status: criteria provided, single submitter. Criteria: Invitae Variant Classification Sherloc (09022015). Collection method: clinical testing. Allele origin: germline.
Comment: This sequence change creates a premature translational stop signal (p.Ser1262Argfs*18) in the NF1 gene. It is expected to result in an absent or disrupted protein product. Loss-of-function variants in NF1 are known to be pathogenic (PMID: 10712197, 23913538). This variant is not present in population databases (gnomAD no frequency). This variant has not been reported in the literature in individuals affected with NF1-related conditions. For these reasons, this variant has been classified as Pathogenic.

Literature cited by the submitters: PubMed 10712197; PubMed 23913538.

NM_001042492.3(NF1):c.3784_3794del (p.Ser1262fs)

Gene: NF1 (neurofibromin 1; plus strand). Cytogenetic location: 17q11.2.
Variant type: Deletion.
Coding change: c.3784_3794del on transcript NM_001042492.3 (MANE Select); coding-DNA positions 3784 to 3794, 11 bases deleted (TCTAAAGAAGT).
Protein change: p.Ser1262fs; shifts the reading frame from serine 1262.
Molecular consequence: frameshift variant.
Genome position (GRCh38, 1-based): chr17:31,235,686-31,235,696, TCTAAAGAAGT deleted; deleting any 11 consecutive bases within chr17:31,235,685-31,235,696 gives the same sequence; the c. name uses the placement nearest the transcript's 3' end. VCF-style (leftmost placement, unchanged base first): chr17-31235684-TTTCTAAAGAAG-T. GRCh37 (hg19) VCF-style: chr17-29562702-TTTCTAAAGAAG-T.
Other names: c.3784_3794del, p.Ser1262fs (NM_000267.4); short protein forms S1262fs.
Identifiers: ClinVar variation 4714361 (VCV004714361.1).